The following is an entry in ClinVar:

ClinVar aggregate classification (germline): Likely benign. Review status: criteria provided, single submitter (1 of 4 stars). 2 submissions from 2 submitters: Likely benign (1). 1 of the submissions does not count toward it. Last evaluated 2024-09-03.

Conditions:
LRP1-related disorder. Also called: LRP1-related condition.

Allele frequency attached by ClinVar (database versions not stated): gnomAD 0.00015; 1000 Genomes Project 0.00020; 1000 Genomes Project 30x 0.00031; TOPMed 0.00034; ExAC 0.00036.
gnomAD v4.1: 181 of 1,613,140 alleles (0.011%); highest among the groups gnomAD compares: East Asian, 0.32%; 2 homozygotes.

Submissions (2):

Blueprint Genetics
Classification: Likely benign. Last evaluated: 2024-09-03. Review status: criteria provided, single submitter. Criteria: ACMG Guidelines, 2015. Collection method: clinical testing. Allele origin: germline.

PreventionGenetics, part of Exact Sciences
Classification: Likely benign for LRP1-related condition. Last evaluated: 2019-08-29. Review status: no assertion criteria provided. Collection method: clinical testing. Allele origin: germline. Not counted in ClinVar's aggregate classification.
Comment: This variant is classified as likely benign based on ACMG/AMP sequence variant interpretation guidelines (Richards et al. 2015 PMID: 25741868, with internal and published modifications).

NM_002332.3(LRP1):c.9150G>A (p.Thr3050=)

Gene: LRP1 (LDL receptor related protein 1; plus strand). Cytogenetic location: 12q13.3.
Variant type: single nucleotide variant.
Coding change: c.9150G>A on transcript NM_002332.3 (MANE Select); coding-DNA position 9150, G replaced by A.
Protein change: p.Thr3050=; no amino-acid change (threonine 3050 retained).
Molecular consequence: synonymous variant.
Genome position (GRCh38, 1-based): chr12:57,197,372, G>A. VCF-style: chr12-57197372-G-A. GRCh37 (hg19) VCF-style: chr12-57591155-G-A.
Identifiers: ClinVar variation 3053713 (VCV003053713.3), dbSNP rs201119903, ClinGen allele CA6644613.